The following is an entry in ClinVar:

NM_000535.7(PMS2):c.2200G>C (p.Val734Leu)

Gene: PMS2 (PMS1 homolog 2, mismatch repair system component; minus strand). Cytogenetic location: 7p22.1.
Variant type: single nucleotide variant.
Coding change: c.2200G>C on transcript NM_000535.7 (MANE Select); coding-DNA position 2200, G replaced by C.
Protein change: p.Val734Leu; replaces valine 734 with leucine.
Molecular consequence: missense variant. On other transcripts: non-coding transcript variant (1).
Genome position (GRCh38, 1-based): chr7:5,978,671, C>G on the plus strand (G>C on the coding strand, the complement: PMS2 is on the minus strand). VCF-style: chr7-5978671-C-G. GRCh37 (hg19) VCF-style: chr7-6018302-C-G.
Other names: c.1795G>C, p.Val599Leu (NM_001018040.1, NM_001322003.2, NM_001322004.2 and 15 more transcripts); c.2044G>C, p.Val682Leu (NM_001322006.2, NM_001406870.1); c.1882G>C, p.Val628Leu (NM_001322007.2, NM_001322008.2, NM_001406876.1 and 1 more transcripts); c.1639G>C, p.Val547Leu (NM_001322010.2, NM_001406906.1, NM_001406907.1); c.1267G>C, p.Val423Leu (NM_001322011.2, NM_001322012.2); c.1627G>C, p.Val543Leu (NM_001322013.2, NM_001406908.1, NM_001406909.1); c.2200G>C, p.Val734Leu (NM_001322014.2); c.1891G>C, p.Val631Leu (NM_001322015.2, NM_001406875.1, NM_001406877.1 and 5 more transcripts); and 14 more; short protein forms V543L, V563L, V599L, V628L, V631L, V333L, V423L, V477L.
Identifiers: ClinVar variation 1787631 (VCV001787631.7), dbSNP rs1467072152, ClinGen allele CA366736855.

ClinVar aggregate classification (germline): Uncertain significance. Review status: criteria provided, multiple submitters, no conflicts (2 of 4 stars). 2 submissions from 2 submitters: Uncertain significance (2). Last evaluated 2025-09-19.

Conditions:
Hereditary nonpolyposis colorectal neoplasms. Identifiers: MedGen C0009405, MeSH D003123.
Hereditary cancer-predisposing syndrome. Also called: Neoplastic Syndromes, Hereditary; Tumor predisposition; Hereditary Cancer Syndrome; Hereditary neoplastic syndrome. Identifiers: Orphanet 140162, MedGen C0027672, MeSH D009386, MONDO:0015356.

Allele frequency attached by ClinVar (database versions not stated): gnomAD exomes below 0.00001.
gnomAD v4.1: 1 of 1,599,114 alleles (0.000063%); highest among the groups gnomAD compares: Admixed American, 0.0017%; no homozygotes.

Submissions (2):

Labcorp Genetics (formerly Invitae), Labcorp
Classification: Uncertain significance for Hereditary nonpolyposis colorectal neoplasms. Last evaluated: 2025-09-19. Review status: criteria provided, single submitter. Criteria: Invitae Variant Classification Sherloc (09022015). Collection method: clinical testing. Allele origin: germline.
Comment: This sequence change replaces valine, which is neutral and non-polar, with leucine, which is neutral and non-polar, at codon 734 of the PMS2 protein (p.Val734Leu). The frequency data for this variant in the population databases (gnomAD) is considered unreliable due to the presence of homologous sequence, such as pseudogenes or paralogs, in the genome. This variant has not been reported in the literature in individuals affected with PMS2-related conditions. ClinVar contains an entry for this variant (Variation ID: 1787631). Invitae Evidence Modeling incorporating data from in vitro experimental studies (internal data) indicates that this missense variant is not expected to disrupt PMS2 function with a negative predictive value of 95%. In summary, the available evidence is currently insufficient to determine the role of this variant in disease. Therefore, it has been classified as a Variant of Uncertain Significance.

Ambry Genetics
Classification: Uncertain significance for Hereditary cancer-predisposing syndrome. Last evaluated: 2022-02-07. Review status: criteria provided, single submitter. Criteria: Ambry Variant Classification Scheme 2023. Collection method: clinical testing. Allele origin: germline.
Comment: The p.V734L variant (also known as c.2200G>C), located in coding exon 13 of the PMS2 gene, results from a G to C substitution at nucleotide position 2200. The valine at codon 734 is replaced by leucine, an amino acid with highly similar properties. This amino acid position is conserved. In addition, this alteration is predicted to be tolerated by in silico analysis. Since supporting evidence is limited at this time, the clinical significance of this alteration remains unclear.